The following is an entry in ClinVar:

NM_017514.5(PLXNA3):c.697G>A (p.Ala233Thr)

Gene: PLXNA3 (plexin A3; plus strand). Cytogenetic location: Xq28.
Variant type: single nucleotide variant.
Coding change: c.697G>A on transcript NM_017514.5 (MANE Select); coding-DNA position 697, G replaced by A.
Protein change: p.Ala233Thr; replaces alanine 233 with threonine.
Molecular consequence: missense variant.
Genome position (GRCh38, 1-based): chrX:154,461,201, G>A. VCF-style: chrX-154461201-G-A. GRCh37 (hg19) VCF-style: chrX-153689541-G-A.
Other names: c.697G>A (NM_017514.3); short protein forms A233T.
Identifiers: ClinVar variation 3031210 (VCV003031210.3), dbSNP rs199780412, ClinGen allele CA10563788.
Genomic context (GRCh38, chrX:154,461,201, plus strand): 5'-TCAGACACGCTGTCCTTGTACCCTGCCTTTGACATCTACTACATCTACGGCTTCGTCAGC[G>A]CCTCCTTCGTGTACTTCCTGACGCTGCAGCTGGACACCCAGCAGACGCTGTTGGACACAG-3'
Protein context (NP_059984.3, residues 223-243): DIYYIYGFVS[Ala233Thr]SFVYFLTLQL

ClinVar aggregate classification (germline): Uncertain significance. Review status: criteria provided, single submitter (1 of 4 stars). 2 submissions from 2 submitters: Uncertain significance (1). 1 of the submissions does not count toward it. Last evaluated 2023-12-19.

Conditions:
PLXNA3-related disorder. Also called: PLXNA3-related condition.

Allele frequency attached by ClinVar (database versions not stated): gnomAD exomes 0.00004; gnomAD 0.00006; ExAC 0.00008; ESP Exome Variant Server 0.00009; TOPMed 0.00012; 1000 Genomes Project 0.00026; 1000 Genomes Project 30x 0.00042.
gnomAD v4.1: 50 of 1,211,174 alleles (0.0041%); highest among the groups gnomAD compares: Admixed American, 0.041%; no homozygotes.

Submissions (2):

Ambry Genetics
Classification: Uncertain significance. Last evaluated: 2023-12-19. Review status: criteria provided, single submitter. Criteria: Ambry Variant Classification Scheme 2023. Collection method: clinical testing. Allele origin: germline.

PreventionGenetics, part of Exact Sciences
Classification: Likely benign for PLXNA3-related condition. Last evaluated: 2022-02-07. Review status: no assertion criteria provided. Collection method: clinical testing. Allele origin: germline. Not counted in ClinVar's aggregate classification.
Comment: This variant is classified as likely benign based on ACMG/AMP sequence variant interpretation guidelines (Richards et al. 2015 PMID: 25741868, with internal and published modifications).